The following is an entry in ClinVar:

NM_020376.4(PNPLA2):c.650G>T (p.Arg217Leu)

Gene: PNPLA2 (patatin like domain 2, triacylglycerol lipase; plus strand). Cytogenetic location: 11p15.5.
Variant type: single nucleotide variant.
Coding change: c.650G>T on transcript NM_020376.4 (MANE Select); coding-DNA position 650, G replaced by T.
Protein change: p.Arg217Leu; replaces arginine 217 with leucine.
Molecular consequence: missense variant.
Genome position (GRCh38, 1-based): chr11:822,560, G>T. VCF-style: chr11-822560-G-T. GRCh37 (hg19) VCF-style: chr11-822560-G-T.
Other names: short protein forms R217L.
Identifiers: ClinVar variation 1918353 (VCV001918353.5), dbSNP rs761088720, ClinGen allele CA378980485.

ClinVar aggregate classification (germline): Uncertain significance (1 of 4 stars; one submission).

Conditions:
Neutral lipid storage myopathy (NLSDM). Also called: NEUTRAL LIPID STORAGE DISEASE WITHOUT ICHTHYOSIS. Identifiers: Orphanet 98908, MedGen C1853136, MONDO:0012545, OMIM 610717.

Submission:

Labcorp Genetics (formerly Invitae), Labcorp
Classification: Uncertain significance for Neutral lipid storage myopathy. Last evaluated: 2022-02-03. Review status: criteria provided, single submitter. Criteria: Invitae Variant Classification Sherloc (09022015). Collection method: clinical testing. Allele origin: germline.
Comment: Algorithms developed to predict the effect of missense changes on protein structure and function are either unavailable or do not agree on the potential impact of this missense change (SIFT: "Deleterious"; PolyPhen-2: "Benign"; Align-GVGD: "Class C0"). In summary, the available evidence is currently insufficient to determine the role of this variant in disease. Therefore, it has been classified as a Variant of Uncertain Significance. This variant has not been reported in the literature in individuals affected with PNPLA2-related conditions. This variant is not present in population databases (gnomAD no frequency). This sequence change replaces arginine, which is basic and polar, with leucine, which is neutral and non-polar, at codon 217 of the PNPLA2 protein (p.Arg217Leu).